The following is an entry in ClinVar:

NM_000122.2(ERCC3):c.1028-2A>G

Gene: ERCC3 (ERCC excision repair 3, TFIIH core complex helicase subunit; minus strand). Cytogenetic location: 2q14.3.
Variant type: single nucleotide variant.
Coding change: c.1028-2A>G on transcript NM_000122.2 (MANE Select); the canonical splice acceptor site of the intron before coding-DNA position 1028, A replaced by G.
Molecular consequence: splice acceptor variant.
Genome position (GRCh38, 1-based): chr2:127,287,019, T>C on the plus strand (A>G on the coding strand, the complement: ERCC3 is on the minus strand). VCF-style: chr2-127287019-T-C. GRCh37 (hg19) VCF-style: chr2-128044595-T-C.
Other names: c.836-2A>G (NM_001303416.2, NM_001303418.2).
Identifiers: ClinVar variation 4729246 (VCV004729246.1).
Genomic context (GRCh38, chr2:127,287,019, plus strand): 5'-CAGACAGCGTTTTCTGACAGTGCATGCAGCAGTCACACCAACCAGGGACTTTCCAGCACC[T>C]ACAAGAAACAAGAGTGCAATCCCACCCAAGGACAGGTTGAAATGAAGGACAGGGACAGGC-3'

ClinVar aggregate classification (germline): Likely pathogenic (1 of 4 stars; one submission).

Submission:

Labcorp Genetics (formerly Invitae), Labcorp
Classification: Likely pathogenic. Last evaluated: 2025-10-20. Review status: criteria provided, single submitter. Criteria: Invitae Variant Classification Sherloc (09022015). Collection method: clinical testing. Allele origin: germline.
Comment: This sequence change affects an acceptor splice site in intron 7 of the ERCC3 gene. It is expected to disrupt RNA splicing. Variants that disrupt the donor or acceptor splice site typically lead to a loss of protein function (PMID: 16199547), and loss-of-function variants in ERCC3 are known to be pathogenic (PMID: 16947863). This variant is not present in population databases (gnomAD no frequency). This variant has not been reported in the literature in individuals affected with ERCC3-related conditions. Algorithms developed to predict the effect of sequence changes on RNA splicing suggest that this variant may disrupt the consensus splice site. In summary, the currently available evidence indicates that the variant is pathogenic, but additional data are needed to prove that conclusively. Therefore, this variant has been classified as Likely Pathogenic.

Literature cited by the submitters: PubMed 16199547; PubMed 16947863.